The following is an entry in ClinVar:

NM_182961.4(SYNE1):c.25820T>C (p.Leu8607Pro)

Gene: SYNE1 (spectrin repeat containing nuclear envelope protein 1; minus strand). Cytogenetic location: 6q25.2.
Variant type: single nucleotide variant.
Coding change: c.25820T>C on transcript NM_182961.4 (MANE Select); coding-DNA position 25820, T replaced by C.
Protein change: p.Leu8607Pro; replaces leucine 8607 with proline.
Molecular consequence: missense variant.
Genome position (GRCh38, 1-based): chr6:152,133,457, A>G on the plus strand (T>C on the coding strand, the complement: SYNE1 is on the minus strand). VCF-style: chr6-152133457-A-G. GRCh37 (hg19) VCF-style: chr6-152454592-A-G.
Other names: c.2426T>C, p.Leu809Pro (NM_001347701.2); c.2354T>C, p.Leu785Pro (NM_001347702.2); c.25676T>C, p.Leu8559Pro (NM_033071.5); short protein forms L8607P, L809P, L8559P, L785P.
Identifiers: ClinVar variation 1354093 (VCV001354093.8), dbSNP rs2152720317, ClinGen allele CA366077374.
Genomic context (GRCh38, chr6:152,133,457, plus strand): 5'-TCTGTTCCTTCAGCATTCACCAGTAGTTGGCAAGACATGTCTTGCAAAGAGGCTACTCTG[A>G]GTTGGGATTCCAACAGCTCATGCTTTATTTGCTATGCATACAAAAACAAATTAATTTTTC-3'
Protein context (NP_892006.3, residues 8597-8617): QIKHELLESQ[Leu8607Pro]RVASLQDMSC

ClinVar aggregate classification (germline): Uncertain significance (1 of 4 stars; one submission).

Conditions:
Autosomal recessive ataxia, Beauce type. Also called: SYNE1-Related Autosomal Recessive Cerebellar Ataxia; SYNE1 Deficiency; Spinocerebellar ataxia, autosomal recessive 8; ATAXIA, RECESSIVE, OF BEAUCE. Identifiers: Orphanet 88644, MedGen C1853116, MONDO:0012549, OMIM 610743.
Emery-Dreifuss muscular dystrophy 4, autosomal dominant (EDMD4). Also called: EMERY-DREIFUSS MUSCULAR DYSTROPHY 4 WITH VARIABLE FEATURES. Identifiers: Orphanet 261, MedGen C2751807, MONDO:0013071, OMIM 612998.

Submission:

Labcorp Genetics (formerly Invitae), Labcorp
Classification: Uncertain significance for Emery-Dreifuss muscular dystrophy 4, autosomal dominant; Autosomal recessive ataxia, Beauce type. Last evaluated: 2021-12-02. Review status: criteria provided, single submitter. Criteria: Invitae Variant Classification Sherloc (09022015). Collection method: clinical testing. Allele origin: germline.
Comment: This sequence change replaces leucine, which is neutral and non-polar, with proline, which is neutral and non-polar, at codon 8559 of the SYNE1 protein (p.Leu8559Pro). This variant is not present in population databases (gnomAD no frequency). This variant has not been reported in the literature in individuals affected with SYNE1-related conditions. Algorithms developed to predict the effect of missense changes on protein structure and function are either unavailable or do not agree on the potential impact of this missense change (SIFT: "Deleterious"; PolyPhen-2: "Possibly Damaging"; Align-GVGD: "Class C0"). In summary, the available evidence is currently insufficient to determine the role of this variant in disease. Therefore, it has been classified as a Variant of Uncertain Significance.